The following is an entry in ClinVar:

NM_015102.5(NPHP4):c.4148dup (p.Gly1384fs)

Gene: NPHP4 (nephrocystin 4; minus strand). Cytogenetic location: 1p36.31.
Variant type: Duplication.
Coding change: c.4148dup on transcript NM_015102.5 (MANE Select); coding-DNA position 4148, one base duplicated (G; older notation c.4148dupG).
Protein change: p.Gly1384fs; shifts the reading frame from glycine 1384.
Molecular consequence: frameshift variant. On other transcripts: non-coding transcript variant (1).
Genome position (GRCh38, 1-based): chr1:5,863,398, C duplicated on the plus strand (G on the coding strand, the reverse complement: NPHP4 is on the minus strand); the first of 5 consecutive C bases (chr1:5,863,398-5,863,402); duplicating any one gives the same sequence. VCF-style (leftmost placement, unchanged base first): chr1-5863397-A-AC. GRCh37 (hg19) VCF-style: chr1-5923457-A-AC.
Other names: c.2609dup, p.Gly871fs (NM_001291593.2); c.2612dup, p.Gly872fs (NM_001291594.2); short protein forms G1384fs, G871fs, G872fs.
Identifiers: ClinVar variation 4886267 (VCV004886267.2).

ClinVar aggregate classification (germline): Uncertain significance (1 of 4 stars; one submission).

Submission:

Dasa
Classification: Uncertain significance. Last evaluated: 2025-01-29. Review status: criteria provided, single submitter. Criteria: DASA Assertion Criteria. Collection method: clinical testing. Allele origin: germline.
Comment: NM_015102.5(NPHP4):c.4148dup (p.Gly1384Trpfs*13) is a frameshift variant in NPHP4 predicted to alter the reading frame and introduce a premature termination codon and is predicted to result in an absent or altered protein product. This variant is rare in population databases. The currently available literature and clinical evidence are not sufficient to establish a definitive association between this variant and the reported condition. Therefore, this variant is classified as a variant of uncertain significance.